The following is an entry in ClinVar:

NM_004817.4(TJP2):c.1710T>C (p.Asp570=)

Gene: TJP2 (tight junction protein 2; plus strand). Cytogenetic location: 9q21.11.
Variant type: single nucleotide variant.
Coding change: c.1710T>C on transcript NM_004817.4 (MANE Select); coding-DNA position 1710, T replaced by C.
Protein change: p.Asp570=; no amino-acid change (aspartic acid 570 retained).
Molecular consequence: synonymous variant.
Genome position (GRCh38, 1-based): chr9:69,234,477, T>C. VCF-style: chr9-69234477-T-C. GRCh37 (hg19) VCF-style: chr9-71849393-T-C.
Other names: c.1641T>C, p.Asp547= (NM_001170414.2, NM_001369871.1); c.1722T>C, p.Asp574= (NM_001170415.1, NM_001369874.1, NM_001369875.1); c.1803T>C, p.Asp601= (NM_001170416.2); c.1635T>C, p.Asp545= (NM_001369870.1); c.1710T>C, p.Asp570= (NM_001369872.1, NM_001369873.1, NM_201629.3).
Identifiers: ClinVar variation 3033121 (VCV003033121.2), dbSNP rs1830031120, ClinGen allele CA465249840.

ClinVar aggregate classification (germline): Likely benign (0 of 4 stars; one submission).

Conditions:
TJP2-related disorder. Also called: TJP2-related condition.

Allele frequency attached by ClinVar (database versions not stated): gnomAD exomes below 0.00001; TOPMed below 0.00001; gnomAD 0.00001.
gnomAD v4.1: 2 of 1,610,074 alleles (0.00012%); highest among the groups gnomAD compares: Admixed American, 0.0017%; no homozygotes.

Submission:

PreventionGenetics, part of Exact Sciences
Classification: Likely benign for TJP2-related condition. Last evaluated: 2023-10-11. Review status: no assertion criteria provided. Collection method: clinical testing. Allele origin: germline.
Comment: This variant is classified as likely benign based on ACMG/AMP sequence variant interpretation guidelines (Richards et al. 2015 PMID: 25741868, with internal and published modifications).